The following is an entry in ClinVar:

NM_178172.6(GPIHBP1):c.118G>A (p.Glu40Lys)

Gene: GPIHBP1 (glycosylphosphatidylinositol anchored high density lipoprotein binding protein 1; plus strand). Cytogenetic location: 8q24.3.
Variant type: single nucleotide variant.
Coding change: c.118G>A on transcript NM_178172.6 (MANE Select); coding-DNA position 118, G replaced by A.
Protein change: p.Glu40Lys; replaces glutamic acid 40 with lysine.
Molecular consequence: missense variant.
Genome position (GRCh38, 1-based): chr8:143,213,887, G>A. VCF-style: chr8-143213887-G-A. GRCh37 (hg19) VCF-style: chr8-144295762-G-A.
Other names: c.118G>A, p.Glu40Lys (NM_001301772.2); short protein forms E40K.
Identifiers: ClinVar variation 1419525 (VCV001419525.5), dbSNP rs1032235631, ClinGen allele CA187515579.
Genomic context (GRCh38, chr8:143,213,887, plus strand): 5'-GGGCAGACACAGCAGGAGGAAGAGGAAGAGGACGAGGACCACGGGCCAGATGACTACGAC[G>A]AGGAAGATGAGGATGAGGTGGAAGAGGAGGAGACCAACAGGCTCCCTGGTGGCAGGAGCA-3'
Protein context (NP_835466.2, residues 30-50): DEDHGPDDYD[Glu40Lys]EDEDEVEEEE

ClinVar aggregate classification (germline): Uncertain significance (1 of 4 stars; one submission).

Allele frequency attached by ClinVar (database versions not stated): gnomAD 0.00001 and 0.00002; gnomAD exomes 0.00001; TOPMed 0.00002.

Submission:

Labcorp Genetics (formerly Invitae), Labcorp
Classification: Uncertain significance. Last evaluated: 2021-09-01. Review status: criteria provided, single submitter. Criteria: Invitae Variant Classification Sherloc (09022015). Collection method: clinical testing. Allele origin: germline.
Comment: This sequence change replaces glutamic acid with lysine at codon 40 of the GPIHBP1 protein (p.Glu40Lys). The glutamic acid residue is weakly conserved and there is a small physicochemical difference between glutamic acid and lysine. This variant is not present in population databases (ExAC no frequency). This variant has not been reported in the literature in individuals affected with GPIHBP1-related conditions. Algorithms developed to predict the effect of missense changes on protein structure and function are either unavailable or do not agree on the potential impact of this missense change (SIFT: "Tolerated"; PolyPhen-2: "Possibly Damaging"; Align-GVGD: "Class C0"). In summary, the available evidence is currently insufficient to determine the role of this variant in disease. Therefore, it has been classified as a Variant of Uncertain Significance.